The following is an entry in ClinVar:

ClinVar aggregate classification (germline): Likely benign (1 of 4 stars; one submission).

Allele frequency attached by ClinVar (database versions not stated): 1000 Genomes Project 30x 0.00078; gnomAD exomes 0.00097; 1000 Genomes Project 0.00100; TOPMed 0.00100; ExAC 0.00102; ESP Exome Variant Server 0.00131.
gnomAD v4.1: 1,623 of 1,611,658 alleles (0.1%); highest among the groups gnomAD compares: Middle Eastern, 1.4%; 4 homozygotes.

Submission:

CeGaT Center for Human Genetics Tuebingen
Classification: Likely benign. Last evaluated: 2023-02-01. Review status: criteria provided, single submitter. Criteria: CeGaT Center For Human Genetics Tuebingen Variant Classification Criteria Version 2. Collection method: clinical testing. Allele origin: germline. Affected: yes. Observed: 1 variant allele.
Comment: CSN2: BP4, BP7

NM_001891.4(CSN2):c.153C>T (p.His51=)

Gene: CSN2 (casein beta; minus strand). Cytogenetic location: 4q13.3.
Variant type: single nucleotide variant.
Coding change: c.153C>T on transcript NM_001891.4 (MANE Select); coding-DNA position 153, C replaced by T.
Protein change: p.His51=; no amino-acid change (histidine 51 retained).
Molecular consequence: synonymous variant.
Genome position (GRCh38, 1-based): chr4:69,957,796, G>A on the plus strand (C>T on the coding strand, the complement: CSN2 is on the minus strand). VCF-style: chr4-69957796-G-A. GRCh37 (hg19) VCF-style: chr4-70823514-G-A.
Other names: c.150C>T, p.His50= (NM_001302770.2); c.108C>T, p.His36= (NM_001385731.1).
Identifiers: ClinVar variation 2654792 (VCV002654792.24), dbSNP rs150033877, ClinGen allele CA2948399.